The following is an entry in ClinVar:

ClinVar aggregate classification (germline): Uncertain significance (1 of 4 stars; one submission).

Submission:

Labcorp Genetics (formerly Invitae), Labcorp
Classification: Uncertain significance. Last evaluated: 2023-09-03. Review status: criteria provided, single submitter. Criteria: Invitae Variant Classification Sherloc (09022015). Collection method: clinical testing. Allele origin: germline.
Comment: This variant is not present in population databases (gnomAD no frequency). This variant has not been reported in the literature in individuals affected with VAV1-related conditions. An algorithm developed to predict the effect of missense changes on protein structure and function (PolyPhen-2) suggests that this variant is likely to be disruptive. In summary, the available evidence is currently insufficient to determine the role of this variant in disease. Therefore, it has been classified as a Variant of Uncertain Significance. This sequence change replaces threonine, which is neutral and polar, with isoleucine, which is neutral and non-polar, at codon 118 of the VAV1 protein (p.Thr118Ile).

NM_005428.4(VAV1):c.353C>T (p.Thr118Ile)

Gene: VAV1 (vav guanine nucleotide exchange factor 1; plus strand). Cytogenetic location: 19p13.3.
Variant type: single nucleotide variant.
Coding change: c.353C>T on transcript NM_005428.4 (MANE Select); coding-DNA position 353, C replaced by T.
Protein change: p.Thr118Ile; replaces threonine 118 with isoleucine.
Molecular consequence: missense variant.
Genome position (GRCh38, 1-based): chr19:6,821,653, C>T. VCF-style: chr19-6821653-C-T. GRCh37 (hg19) VCF-style: chr19-6821664-C-T.
Other names: c.353C>T, p.Thr118Ile (NM_001258206.2, NM_001258207.2); short protein forms T118I.
Identifiers: ClinVar variation 2757521 (VCV002757521.3), dbSNP rs2512357357, ClinGen allele CA403614757.